The following is an entry in ClinVar:

ClinVar aggregate classification (germline): Uncertain significance. Review status: criteria provided, multiple submitters, no conflicts (2 of 4 stars). 3 submissions from 3 submitters: Uncertain significance (3). Last evaluated 2024-07-09.

Conditions:
Pigmentary pallidal degeneration (NBIA1). Also called: HARP SYNDROME; Pantothenate Kinase-Associated Neurodegeneration; PKAN NEUROAXONAL DYSTROPHY, JUVENILE-ONSET; Neuroaxonal dystrophy, late infantile; Hallervorden-Spatz disease; Neurodegeneration with brain iron accumulation 1. Identifiers: Orphanet 157850, MedGen C0018523, MONDO:0009319, OMIM 234200.

Allele frequency attached by ClinVar (database versions not stated): TOPMed 0.00006.
gnomAD v4.1: 51 of 1,575,586 alleles (0.0032%); highest among the groups gnomAD compares: Non-Finnish European, 0.0042%; no homozygotes.

Submissions (3):

GeneDx
Classification: Uncertain significance. Last evaluated: 2024-07-09. Review status: criteria provided, single submitter. Criteria: GeneDx Variant Classification Process June 2021. Collection method: clinical testing. Allele origin: germline. Affected: yes.
Comment: Not observed at significant frequency in large population cohorts (gnomAD); In silico analysis indicates that this missense variant does not alter protein structure/function; Has not been previously published as pathogenic or benign to our knowledge

CeGaT Center for Human Genetics Tuebingen
Classification: Uncertain significance. Last evaluated: 2021-01-01. Review status: criteria provided, single submitter. Criteria: CeGaT Center For Human Genetics Tuebingen Variant Classification Criteria Version 2. Collection method: clinical testing. Allele origin: germline. Affected: yes. Observed: 1 variant allele.

Illumina Laboratory Services, Illumina
Classification: Uncertain significance for Pigmentary pallidal degeneration. Last evaluated: 2018-01-13. Review status: criteria provided, single submitter. Criteria: ICSL Variant Classification Criteria 13 December 2019. Collection method: clinical testing. Allele origin: germline.

NM_153638.4(PANK2):c.283C>A (p.Leu95Ile)

Genes: PANK2 (pantothenate kinase 2; plus strand), LOC130065345 (ATAC-STARR-seq lymphoblastoid silent region 12635; plus strand). Cytogenetic location: 20p13.
Variant type: single nucleotide variant.
Coding change: c.283C>A on transcript NM_153638.4; coding-DNA position 283, C replaced by A.
Protein change: p.Leu95Ile; replaces leucine 95 with isoleucine.
Molecular consequence: missense variant. On other transcripts: intron variant (1).
Genome position (GRCh38, 1-based): chr20:3,889,383, C>A. VCF-style: chr20-3889383-C-A. GRCh37 (hg19) VCF-style: chr20-3870030-C-A.
Other names: c.283C>A, p.Leu95Ile (NM_001324192.1); c.-246+479C>A (NM_024960.6); short protein forms L95I.
Identifiers: ClinVar variation 897914 (VCV000897914.41), dbSNP rs558404718, ClinGen allele CA9750527.